The following is an entry in ClinVar:

NM_002291.3(LAMB1):c.-22C>T

Gene: LAMB1 (laminin subunit beta 1; minus strand). Cytogenetic location: 7q31.1.
Variant type: single nucleotide variant.
Coding change: c.-22C>T on transcript NM_002291.3 (MANE Select); 22 bases upstream of the start codon, C replaced by T.
Molecular consequence: 5 prime UTR variant.
Genome position (GRCh38, 1-based): chr7:108,002,907, G>A on the plus strand (C>T on the coding strand, the complement: LAMB1 is on the minus strand). VCF-style: chr7-108002907-G-A. GRCh37 (hg19) VCF-style: chr7-107643352-G-A.
Identifiers: ClinVar variation 382139 (VCV000382139.1), dbSNP rs113389946, ClinGen allele CA4436517.

ClinVar aggregate classification (germline): Benign (1 of 4 stars; one submission).

Allele frequency attached by ClinVar (database versions not stated): 1000 Genomes Project 0.00719; 1000 Genomes Project 30x 0.00750; gnomAD 0.00792 and 0.00850; ESP Exome Variant Server 0.00892; TOPMed 0.00897.
gnomAD v4.1: 2,479 of 1,613,604 alleles (0.15%); highest among the groups gnomAD compares: African/African-American, 2.9%; 37 homozygotes.

Submission:

GeneDx
Classification: Benign. Last evaluated: 2016-02-11. Review status: criteria provided, single submitter. Criteria: GeneDx Variant Classification (06012015). Collection method: clinical testing. Allele origin: germline. Affected: yes.
Comment: This variant is considered likely benign or benign based on one or more of the following criteria: it is a conservative change, it occurs at a poorly conserved position in the protein, it is predicted to be benign by multiple in silico algorithms, and/or has population frequency not consistent with disease.